The following is an entry in ClinVar:

NM_004863.4(SPTLC2):c.*2375C>T

Gene: SPTLC2 (serine palmitoyltransferase long chain base subunit 2; minus strand). Cytogenetic location: 14q24.3.
Variant type: single nucleotide variant.
Coding change: c.*2375C>T on transcript NM_004863.4 (MANE Select); 2375 bases downstream of the stop codon, C replaced by T.
Molecular consequence: 3 prime UTR variant.
Genome position (GRCh38, 1-based): chr14:77,509,909, G>A on the plus strand (C>T on the coding strand, the complement: SPTLC2 is on the minus strand). VCF-style: chr14-77509909-G-A. GRCh37 (hg19) VCF-style: chr14-77976252-G-A.
Identifiers: ClinVar variation 885928 (VCV000885928.4), dbSNP rs147416393, ClinGen allele CA263820565.
Genomic context (GRCh38, chr14:77,509,909, plus strand): 5'-TACACTTATCTTGAAATAACTTTGTACCAACAAAGTGATATAGATATATTTTAAATGCCG[G>A]TACTGACATTTGAATTTGCAGTGACTTCATGCAAGCCAAAATAAAAAGACTAGCAGGTAA-3'

ClinVar aggregate classification (germline): Benign (1 of 4 stars; one submission).

Conditions:
Neuropathy, hereditary sensory and autonomic, type 1C. Also called: HSAN IC; HSN IC. Identifiers: Orphanet 36386, MedGen C3150896, MONDO:0013337, OMIM 613640.

Allele frequency attached by ClinVar (database versions not stated): gnomAD exomes 0.00058; 1000 Genomes Project 0.00399; 1000 Genomes Project 30x 0.00437; gnomAD 0.00456 and 0.00492; TOPMed 0.00536.
gnomAD v4.1: 843 of 398,354 alleles (0.21%); highest among the groups gnomAD compares: African/African-American, 1.6%; 7 homozygotes.

Submission:

Illumina Laboratory Services, Illumina
Classification: Benign for Neuropathy, hereditary sensory and autonomic, type 1C. Last evaluated: 2018-01-12. Review status: criteria provided, single submitter. Criteria: ICSL Variant Classification Criteria 13 December 2019. Collection method: clinical testing. Allele origin: germline.
Comment: This variant was observed in the ICSL laboratory as part of a predisposition screen in an ostensibly healthy population. It had not been previously curated by ICSL or reported in the Human Gene Mutation Database (HGMD: prior to June 1st, 2018), and was therefore a candidate for classification through an automated scoring system. Utilizing variant allele frequency, disease prevalence and penetrance estimates, and inheritance mode, an automated score was calculated to assess if this variant is too frequent to cause the disease. Based on the score and internal cut-off values, a variant classified as benign is not then subjected to further curation. The score for this variant resulted in a classification of benign for this disease.